The following is an entry in ClinVar:

NM_003482.4(KMT2D):c.13686G>T (p.Leu4562=)

Gene: KMT2D (lysine methyltransferase 2D; minus strand). Cytogenetic location: 12q13.12.
Variant type: single nucleotide variant.
Coding change: c.13686G>T on transcript NM_003482.4 (MANE Select); coding-DNA position 13686, G replaced by T.
Protein change: p.Leu4562=; no amino-acid change (leucine 4562 retained).
Molecular consequence: synonymous variant.
Genome position (GRCh38, 1-based): chr12:49,030,754, C>A on the plus strand (G>T on the coding strand, the complement: KMT2D is on the minus strand). VCF-style: chr12-49030754-C-A. GRCh37 (hg19) VCF-style: chr12-49424537-C-A.
Identifiers: ClinVar variation 4770016 (VCV004770016.2).

ClinVar aggregate classification (germline): Likely benign. Review status: criteria provided, multiple submitters, no conflicts (2 of 4 stars). 2 submissions from 2 submitters: Likely benign (2). Last evaluated 2025-12-03.

Conditions:
Kabuki syndrome. Also called: Kabuki make-up syndrome; NIIKAWA-KUROKI SYNDROME. Identifiers: Orphanet 2322, MedGen C0796004, MONDO:0016512.
KMT2D-related disorder. Also called: KMT2D-Related Disorders.

gnomAD v4.1: 1 of 1,613,608 alleles (0.000062%); highest among the groups gnomAD compares: East Asian, 0.0022%; no homozygotes.

Submissions (2):

Labcorp Genetics (formerly Invitae), Labcorp
Classification: Likely benign for Kabuki syndrome. Last evaluated: 2025-12-03. Review status: criteria provided, single submitter. Criteria: Invitae Variant Classification Sherloc (09022015). Collection method: clinical testing. Allele origin: germline.

PreventionGenetics, part of Exact Sciences
Classification: Likely benign for KMT2D-related condition. Last evaluated: 2025-01-22. Review status: criteria provided, single submitter. Criteria: ACMG Guidelines, 2015. Collection method: clinical testing. Allele origin: germline.
Comment: This variant is classified as likely benign based on ACMG/AMP sequence variant interpretation guidelines (Richards et al. 2015 PMID: 25741868, with internal and published modifications).